The following is an entry in ClinVar:

ClinVar aggregate classification (germline): Pathogenic. Review status: reviewed by expert panel (3 of 4 stars). 4 submissions from 4 submitters: Pathogenic (1). 3 of the submissions do not count toward it. Last evaluated 2016-10-18.

Conditions:
Familial cancer of breast. Also called: hereditary breast carcinoma; BREAST CANCER, FAMILIAL; Hereditary breast cancer. Identifiers: Orphanet 227535, MedGen C0346153, MONDO:0016419, OMIM 114480. Disease mechanism: loss of function.
Hereditary breast ovarian cancer syndrome. Also called: BRCA1- and BRCA2-Associated Hereditary Breast and Ovarian Cancer; Hereditary breast and ovarian cancer syndrome; Hereditary breast and ovarian cancer syndrome (HBOC); Breast and ovarian cancer; Hereditary breast and/or ovarian cancer syndrome; Hereditary breast and ovarian cancer. Identifiers: Orphanet 145, MedGen C0677776, MeSH D061325, MONDO:0003582. Disease mechanism: loss of function.
Breast-ovarian cancer, familial, susceptibility to, 1 (BROVCA1). Also called: BRCA1 Hereditary Breast and Ovarian Cancer; OVARIAN CANCER, SUSCEPTIBILITY TO. Identifiers: Orphanet 145, MedGen C2676676, MONDO:0011450, OMIM 604370. Disease mechanism: loss of function.

Submissions (4):

Evidence-based Network for the Interpretation of Germline Mutant Alleles (ENIGMA)
Classification: Pathogenic for Breast-ovarian cancer, familial, susceptibility to, 1. Last evaluated: 2016-10-18. Review status: reviewed by expert panel. Criteria: ENIGMA BRCA1/2 Classification Criteria (2015). Collection method: curation. Allele origin: germline.
Comment: Variant allele predicted to encode a truncated non-functional protein.

Department of Clinical Genetics, Copenhagen University Hospital, Rigshospitalet
Classification: Pathogenic for Familial cancer of breast. Last evaluated: 2025-12-10. Review status: criteria provided, single submitter. Criteria: ACMG Guidelines, 2015. Collection method: clinical testing. Allele origin: germline. Not counted in ClinVar's aggregate classification.
Comment: The following ACMG criteria has been used: PM2_SUP; PVS1; PM5_Strong (PTC)

Consortium of Investigators of Modifiers of BRCA1/2 (CIMBA), c/o University of Cambridge
Classification: Pathogenic for Breast-ovarian cancer, familial, susceptibility to, 1. Last evaluated: 2015-10-02. Review status: criteria provided, single submitter. Criteria: CIMBA Mutation Classification guidelines May 2016. Collection method: clinical testing. Allele origin: germline. Not counted in ClinVar's aggregate classification.

Department of Pathology and Laboratory Medicine, Sinai Health System
Classification: Pathogenic for Hereditary breast ovarian cancer syndrome. Review status: criteria provided, single submitter. Criteria: ACMG Guidelines, 2015. Collection method: clinical testing. Allele origin: germline. Affected: yes. Study: The Canadian Open Genetics Repository (COGR). Not counted in ClinVar's aggregate classification.

Literature cited by the submitters: PubMed 21318380 (cited by Department of Clinical Genetics, Copenhagen University Hospital, Rigshospitalet).

NM_007294.4(BRCA1):c.3820del (p.Gln1273_Val1274insTer)

Genes: BRCA1 (BRCA1 DNA repair associated; minus strand), LOC126862571 (BRD4-independent group 4 enhancer GRCh37_chr17:41243136-41244335; plus strand). Cytogenetic location: 17q21.31.
Variant type: Deletion.
Coding change: c.3820del on transcript NM_007294.4 (MANE Select); coding-DNA position 3820, one base deleted (G; older notation c.3820delG).
Protein change: p.Gln1273_Val1274insTer.
Molecular consequence: nonsense. On other transcripts: intron variant (135), frameshift variant (1).
Genome position (GRCh38, 1-based): chr17:43,091,711, C deleted on the plus strand (G on the coding strand, the reverse complement: BRCA1 is on the minus strand); the first of 2 consecutive C bases (chr17:43,091,711-43,091,712); deleting either gives the same sequence. VCF-style (leftmost placement, unchanged base first): chr17-43091710-AC-A. GRCh37 (hg19) VCF-style: chr17-41243727-AC-A.
Other names: 3939delG; c.3487del, p.Gln1162_Val1163insTer (NM_001407950.1, NM_001407951.1, NM_001407952.1 and 6 more transcripts); c.3484del, p.Gln1161_Val1162insTer (NM_001407954.1, NM_001407955.1, NM_001407956.1 and 1 more transcripts); c.3439del, p.Gln1146_Val1147insTer (NM_001407959.1, NM_001407960.1, NM_001407963.1); c.3436del, p.Gln1145_Val1146insTer (NM_001407962.1); c.3676del, p.Gln1225_Val1226insTer (NM_001407964.1, NM_001407740.1, NM_001407741.1 and 20 more transcripts); c.3316del, p.Gln1105_Val1106insTer (NM_001407965.1); c.2932del, p.Gln977_Val978insTer (NM_001407966.1, NM_001407967.1); and 43 more.
Identifiers: ClinVar variation 55016 (VCV000055016.8), dbSNP rs80357616, ClinGen allele CA002462.